The following is an entry in ClinVar:

ClinVar aggregate classification (germline): Uncertain significance (1 of 4 stars; one submission).

Conditions:
Hypertrophic cardiomyopathy 14. Identifiers: MedGen C2750467, MONDO:0013197, OMIM 613251.

Allele frequency attached by ClinVar (database versions not stated): gnomAD exomes below 0.00001.
gnomAD v4.1: 1 of 1,614,150 alleles (0.000062%); highest among the groups gnomAD compares: Admixed American, 0.0017%; no homozygotes.

Submission:

Labcorp Genetics (formerly Invitae), Labcorp
Classification: Uncertain significance for Hypertrophic cardiomyopathy 14. Last evaluated: 2019-09-24. Review status: criteria provided, single submitter. Criteria: Invitae Variant Classification Sherloc (09022015). Collection method: clinical testing. Allele origin: germline.
Comment: In summary, the available evidence is currently insufficient to determine the role of this variant in disease. Therefore, it has been classified as a Variant of Uncertain Significance. Algorithms developed to predict the effect of missense changes on protein structure and function (SIFT, PolyPhen-2, Align-GVGD) all suggest that this variant is likely to be tolerated, but these predictions have not been confirmed by published functional studies and their clinical significance is uncertain. This variant has not been reported in the literature in individuals with MYH6-related conditions. This variant is not present in population databases (ExAC no frequency). This sequence change replaces aspartic acid with asparagine at codon 89 of the MYH6 protein (p.Asp89Asn). The aspartic acid residue is weakly conserved and there is a small physicochemical difference between aspartic acid and asparagine.

NM_002471.4(MYH6):c.265G>A (p.Asp89Asn)

Genes: MYH6 (myosin heavy chain 6; minus strand), LOC114827851 (VISTA enhancer hs2155; plus strand). Cytogenetic location: 14q11.2.
Variant type: single nucleotide variant.
Coding change: c.265G>A on transcript NM_002471.4 (MANE Select); coding-DNA position 265, G replaced by A.
Protein change: p.Asp89Asn; replaces aspartic acid 89 with asparagine.
Molecular consequence: missense variant.
Genome position (GRCh38, 1-based): chr14:23,405,707, C>T on the plus strand (G>A on the coding strand, the complement: MYH6 is on the minus strand). VCF-style: chr14-23405707-C-T. GRCh37 (hg19) VCF-style: chr14-23874916-C-T.
Other names: short protein forms D89N.
Identifiers: ClinVar variation 961114 (VCV000961114.9), dbSNP rs1289213430, ClinGen allele CA389031698.